The following is an entry in ClinVar:

NM_031294.4(DRC3):c.205A>G (p.Lys69Glu)

Gene: DRC3 (dynein regulatory complex subunit 3; plus strand). Cytogenetic location: 17p11.2.
Variant type: single nucleotide variant.
Coding change: c.205A>G on transcript NM_031294.4 (MANE Select); coding-DNA position 205, A replaced by G.
Protein change: p.Lys69Glu; replaces lysine 69 with glutamic acid.
Molecular consequence: missense variant.
Genome position (GRCh38, 1-based): chr17:17,983,872, A>G. VCF-style: chr17-17983872-A-G. GRCh37 (hg19) VCF-style: chr17-17887186-A-G.
Other names: c.205A>G, p.Lys69Glu (NM_001130090.1, NM_001130091.2, NM_001130092.2); short protein forms K69E.
Identifiers: ClinVar variation 2647535 (VCV002647535.24), dbSNP rs193222617, ClinGen allele CA8421219.
Genomic context (GRCh38, chr17:17,983,872, plus strand): 5'-CCTTCCATTATTTCAGACATCCTCCGCATAGACAACCTCTGGCAGTTTGAGAACTTGAGG[A>G]AGCTGCAGCTGGACAATAACATCATTGAGAAGATCGAGGGCCTGGAGAACCTCGCACACC-3'
Protein context (NP_112584.3, residues 59-79): DNLWQFENLR[Lys69Glu]LQLDNNIIEK

ClinVar aggregate classification (germline): Likely benign (1 of 4 stars; one submission).

Allele frequency attached by ClinVar (database versions not stated): 1000 Genomes Project 0.00140; 1000 Genomes Project 30x 0.00156; ExAC 0.00334; gnomAD 0.00394; ESP Exome Variant Server 0.00430; TOPMed 0.00471; gnomAD exomes 0.00520.

Submission:

CeGaT Center for Human Genetics Tuebingen
Classification: Likely benign. Last evaluated: 2023-01-01. Review status: criteria provided, single submitter. Criteria: CeGaT Center For Human Genetics Tuebingen Variant Classification Criteria Version 2. Collection method: clinical testing. Allele origin: germline. Affected: yes. Observed: 1 variant allele.
Comment: DRC3: BS2